The following is an entry in ClinVar:

NM_020822.3(KCNT1):c.3066C>T (p.Tyr1022=)

Gene: KCNT1 (potassium sodium-activated channel subfamily T member 1; plus strand). Cytogenetic location: 9q34.3.
Variant type: single nucleotide variant.
Coding change: c.3066C>T on transcript NM_020822.3 (MANE Select); coding-DNA position 3066, C replaced by T.
Protein change: p.Tyr1022=; no amino-acid change (tyrosine 1022 retained).
Molecular consequence: synonymous variant.
Genome position (GRCh38, 1-based): chr9:135,784,799, C>T. VCF-style: chr9-135784799-C-T. GRCh37 (hg19) VCF-style: chr9-138676645-C-T.
Other names: c.2931C>T, p.Tyr977= (NM_001272003.2).
Identifiers: ClinVar variation 386797 (VCV000386797.41), dbSNP rs766717782, ClinGen allele CA5327604.

ClinVar aggregate classification (germline): Likely benign. Review status: criteria provided, multiple submitters, no conflicts (2 of 4 stars). 7 submissions from 6 submitters: Likely benign (7). Last evaluated 2025-11-24.

Conditions:
Autosomal dominant nocturnal frontal lobe epilepsy 5. Also called: CILIARY DYSKINESIA, PRIMARY, 28, WITHOUT SITUS INVERSUS; CILIARY DYSKINESIA, PRIMARY, 28, WITH SITUS INVERSUS; KCNT1-Related Epilepsy; Epilepsy, nocturnal frontal lobe, 5. Identifiers: Orphanet 98784, MedGen C3554306, MONDO:0014002, OMIM 615005.
Inborn genetic diseases. Identifiers: MedGen C0950123, MeSH D030342.
Developmental and epileptic encephalopathy, 14 (DEE14). Also called: Early infantile epileptic encephalopathy 14. Identifiers: Orphanet 293181, MedGen C3554195, MONDO:0013989, OMIM 614959.

Allele frequency attached by ClinVar (database versions not stated): gnomAD exomes 0.00007 and 0.00011; ExAC 0.00008; TOPMed 0.00011; gnomAD 0.00012 and 0.00014.
gnomAD v4.1: 177 of 1,612,668 alleles (0.011%); highest among the groups gnomAD compares: Non-Finnish European, 0.014%; no homozygotes.

Submissions (7):

Labcorp Genetics (formerly Invitae), Labcorp
Classification: Likely benign for Autosomal dominant nocturnal frontal lobe epilepsy 5; Developmental and epileptic encephalopathy, 14. Last evaluated: 2025-11-24. Review status: criteria provided, single submitter. Criteria: Invitae Variant Classification Sherloc (09022015). Collection method: clinical testing. Allele origin: germline.

Blueprint Genetics
Classification: Likely benign. Last evaluated: 2024-10-11. Review status: criteria provided, single submitter. Criteria: ACMG Guidelines, 2015. Collection method: clinical testing. Allele origin: germline.

CeGaT Center for Human Genetics Tuebingen
Classification: Likely benign. Last evaluated: 2024-10-01. Review status: criteria provided, single submitter. Criteria: CeGaT Center For Human Genetics Tuebingen Variant Classification Criteria Version 2. Collection method: clinical testing. Allele origin: germline. Affected: yes. Observed: 3 variant alleles.
Comment: KCNT1: BP4, BP7

Genome-Nilou Lab
Classification: Likely benign for Developmental and epileptic encephalopathy, 14. Last evaluated: 2022-03-15. Review status: criteria provided, single submitter. Criteria: ACMG Guidelines, 2015. Collection method: clinical testing. Allele origin: germline. Affected: no.

Genome-Nilou Lab
Classification: Likely benign for Autosomal dominant nocturnal frontal lobe epilepsy 5. Last evaluated: 2022-03-15. Review status: criteria provided, single submitter. Criteria: ACMG Guidelines, 2015. Collection method: clinical testing. Allele origin: germline. Affected: no.

GeneDx
Classification: Likely benign. Last evaluated: 2019-10-10. Review status: criteria provided, single submitter. Criteria: GeneDx Variant Classification Process June 2021. Collection method: clinical testing. Allele origin: germline. Affected: yes.
Comment: This variant is associated with the following publications: (PMID: 24951259)

Ambry Genetics
Classification: Likely benign for Inborn genetic diseases. Last evaluated: 2019-06-03. Review status: criteria provided, single submitter. Criteria: Ambry Variant Classification Scheme 2023. Collection method: clinical testing. Allele origin: germline.